The following is an entry in ClinVar:

NM_003816.3(ADAM9):c.484A>G (p.Ile162Val)

Gene: ADAM9 (ADAM metallopeptidase domain 9; plus strand). Cytogenetic location: 8p11.22.
Variant type: single nucleotide variant.
Coding change: c.484A>G on transcript NM_003816.3 (MANE Select); coding-DNA position 484, A replaced by G.
Protein change: p.Ile162Val; replaces isoleucine 162 with valine.
Molecular consequence: missense variant. On other transcripts: non-coding transcript variant (3).
Genome position (GRCh38, 1-based): chr8:39,017,292, A>G. VCF-style: chr8-39017292-A-G. GRCh37 (hg19) VCF-style: chr8-38874811-A-G.
Other names: short protein forms I162V.
Identifiers: ClinVar variation 961451 (VCV000961451.5), dbSNP rs893648734, ClinGen allele CA175205551.
Genomic context (GRCh38, chr8:39,017,292, plus strand): 5'-TTAGAGAATGCGAGTTATGGGATTGAACCCCTGCAGAACAGCTCTCATTTTGAGCACATC[A>G]TTTATCGAATGGATGATGTCTACAAAGAGCCTCTGAAATGTGGAGTTTCCAACAAGGATA-3'
Protein context (NP_003807.1, residues 152-172): LQNSSHFEHI[Ile162Val]YRMDDVYKEP

ClinVar aggregate classification (germline): Uncertain significance. Review status: criteria provided, multiple submitters, no conflicts (2 of 4 stars). 2 submissions from 2 submitters: Uncertain significance (2). Last evaluated 2025-12-15.

Conditions:
Inborn genetic diseases. Identifiers: MedGen C0950123, MeSH D030342.

Allele frequency attached by ClinVar (database versions not stated): gnomAD 0.00001; gnomAD exomes 0.00001; TOPMed 0.00002.

Submissions (2):

Ambry Genetics
Classification: Uncertain significance for Inborn genetic diseases. Last evaluated: 2025-12-15. Review status: criteria provided, single submitter. Criteria: Ambry Variant Classification Scheme 2023. Collection method: clinical testing. Allele origin: germline.

Labcorp Genetics (formerly Invitae), Labcorp
Classification: Uncertain significance. Last evaluated: 2023-10-02. Review status: criteria provided, single submitter. Criteria: Invitae Variant Classification Sherloc (09022015). Collection method: clinical testing. Allele origin: germline.
Comment: This sequence change replaces isoleucine, which is neutral and non-polar, with valine, which is neutral and non-polar, at codon 162 of the ADAM9 protein (p.Ile162Val). This variant is present in population databases (no rsID available, gnomAD 0.003%). This variant has not been reported in the literature in individuals affected with ADAM9-related conditions. ClinVar contains an entry for this variant (Variation ID: 961451). Advanced modeling of protein sequence and biophysical properties (such as structural, functional, and spatial information, amino acid conservation, physicochemical variation, residue mobility, and thermodynamic stability) performed at Invitae indicates that this missense variant is not expected to disrupt ADAM9 protein function. In summary, the available evidence is currently insufficient to determine the role of this variant in disease. Therefore, it has been classified as a Variant of Uncertain Significance.